The following is an entry in ClinVar:

ClinVar aggregate classification (germline): Uncertain significance (1 of 4 stars; one submission).

Conditions:
Nephronophthisis. Also called: Juvenile Nephronophthisis. Identifiers: Orphanet 655, MedGen C0687120, MONDO:0019005, HP:0000090.

gnomAD v4.1: 4 of 1,613,834 alleles (0.00025%); highest among the groups gnomAD compares: South Asian, 0.0044%; no homozygotes.

Submission:

Labcorp Genetics (formerly Invitae), Labcorp
Classification: Uncertain significance for Nephronophthisis. Last evaluated: 2022-09-01. Review status: criteria provided, single submitter. Criteria: Invitae Variant Classification Sherloc (09022015). Collection method: clinical testing. Allele origin: germline.
Comment: This sequence change replaces lysine, which is basic and polar, with glutamic acid, which is acidic and polar, at codon 334 of the IQCB1 protein (p.Lys334Glu). In summary, the available evidence is currently insufficient to determine the role of this variant in disease. Therefore, it has been classified as a Variant of Uncertain Significance. Algorithms developed to predict the effect of missense changes on protein structure and function are either unavailable or do not agree on the potential impact of this missense change (SIFT: "Deleterious"; PolyPhen-2: "Benign"; Align-GVGD: "Class C15"). ClinVar contains an entry for this variant (Variation ID: 1053883). This variant has not been reported in the literature in individuals affected with IQCB1-related conditions. This variant is not present in population databases (gnomAD no frequency).

NM_001023570.4(IQCB1):c.1000A>G (p.Lys334Glu)

Gene: IQCB1 (IQ motif containing B1; minus strand). Cytogenetic location: 3q13.33.
Variant type: single nucleotide variant.
Coding change: c.1000A>G on transcript NM_001023570.4 (MANE Select); coding-DNA position 1000, A replaced by G.
Protein change: p.Lys334Glu; replaces lysine 334 with glutamic acid.
Molecular consequence: missense variant. On other transcripts: non-coding transcript variant (1).
Genome position (GRCh38, 1-based): chr3:121,790,202, T>C on the plus strand (A>G on the coding strand, the complement: IQCB1 is on the minus strand). VCF-style: chr3-121790202-T-C. GRCh37 (hg19) VCF-style: chr3-121509049-T-C.
Other names: c.601A>G, p.Lys201Glu (NM_001023571.4); c.1000A>G, p.Lys334Glu (NM_001319107.2); short protein forms K201E, K334E.
Identifiers: ClinVar variation 1053883 (VCV001053883.9), dbSNP rs532987681, ClinGen allele CA354117271.